The following is an entry in ClinVar:

NM_004715.5(CTDP1):c.2564_2567del (p.Glu855fs)

Gene: CTDP1 (CTD phosphatase 1; plus strand). Cytogenetic location: 18q23.
Variant type: Microsatellite.
Coding change: c.2564_2567del on transcript NM_004715.5 (MANE Select); coding-DNA positions 2564 to 2567, 4 bases deleted (AGAG; older notation c.2564_2567delAGAG).
Protein change: p.Glu855fs; shifts the reading frame from glutamic acid 855.
Molecular consequence: frameshift variant. On other transcripts: intron variant (1).
Genome position (GRCh38, 1-based): chr18:79,729,053-79,729,056, AGAG deleted; deleting any 4 consecutive bases within chr18:79,729,051-79,729,056 gives the same sequence; the c. name uses the placement nearest the transcript's 3' end. VCF-style (leftmost placement, unchanged base first): chr18-79729050-TAGAG-T. GRCh37 (hg19) VCF-style: chr18-77489050-TAGAG-T.
Other names: c.2207_2210del, p.Glu736fs (NM_001202504.1); c.2564_2567del, p.Glu855fs (NM_001318511.2); c.2418-7302_2418-7299del (NM_048368.4); short protein forms E736fs, E855fs.
Identifiers: ClinVar variation 4986760 (VCV004986760.1), dbSNP rs1197675741.

ClinVar aggregate classification (germline): Uncertain significance (1 of 4 stars; one submission).

Conditions:
CTDP1-related disorder. Also called: CTDP1-related condition.

Submission:

PreventionGenetics, part of Exact Sciences
Classification: Uncertain significance for CTDP1-related condition. Last evaluated: 2026-05-29. Review status: criteria provided, single submitter. Criteria: ACMG Guidelines, 2015. Collection method: clinical testing. Allele origin: germline.
Comment: The CTDP1 c.2564_2567delAGAG variant is predicted to result in a frameshift and premature protein termination (p.Glu855Valfs*67). To our knowledge, this variant has not been reported in the literature. This variant has been reported in 1 heterozygous individual within the ‘other’ subpopulation in gnomAD. Loss of function is not an established mechanism of CTDP1-related disease. At this time, the clinical significance of this variant is uncertain due to the absence of conclusive functional and genetic evidence.